The following is an entry in ClinVar:

NM_004453.4(ETFDH):c.1415G>C (p.Gly472Ala)

Gene: ETFDH (electron transfer flavoprotein dehydrogenase; plus strand). Cytogenetic location: 4q32.1.
Variant type: single nucleotide variant.
Coding change: c.1415G>C on transcript NM_004453.4 (MANE Select); coding-DNA position 1415, G replaced by C.
Protein change: p.Gly472Ala; replaces glycine 472 with alanine.
Molecular consequence: missense variant.
Genome position (GRCh38, 1-based): chr4:158,706,318, G>C. VCF-style: chr4-158706318-G-C. GRCh37 (hg19) VCF-style: chr4-159627470-G-C.
Other names: c.1274G>C, p.Gly425Ala (NM_001281737.2); c.1232G>C, p.Gly411Ala (NM_001281738.1); short protein forms G411A, G425A, G472A.
Identifiers: ClinVar variation 1068357 (VCV001068357.9), dbSNP rs768181815, ClinGen allele CA3122618.

ClinVar aggregate classification (germline): Likely pathogenic (1 of 4 stars; one submission).

Conditions:
Multiple acyl-CoA dehydrogenase deficiency (MADD). Also called: Glutaric aciduria, type 2; Glutaric Acidemia type 2; Glutaric acidemia type II; GA 2; ETHYLMALONIC-ADIPICACIDURIA; GA II. Identifiers: Orphanet 26791, MedGen C0268596, MONDO:0009282, OMIM 231680.

gnomAD v4.1: 1 of 1,613,478 alleles (0.000062%); highest among the groups gnomAD compares: Admixed American, 0.0017%; no homozygotes.

Submission:

Labcorp Genetics (formerly Invitae), Labcorp
Classification: Likely pathogenic for Multiple acyl-CoA dehydrogenase deficiency. Last evaluated: 2020-08-21. Review status: criteria provided, single submitter. Criteria: Invitae Variant Classification Sherloc (09022015). Collection method: clinical testing. Allele origin: germline.
Comment: This variant is present in population databases (rs768181815, ExAC 0.009%). This sequence change replaces glycine with alanine at codon 472 of the ETFDH protein (p.Gly472Ala). The glycine residue is highly conserved and there is a small physicochemical difference between glycine and alanine. This variant has not been reported in the literature in individuals with ETFDH-related conditions. Advanced modeling of protein sequence and biophysical properties (such as structural, functional, and spatial information, amino acid conservation, physicochemical variation, residue mobility, and thermodynamic stability) performed at Invitae indicates that this missense variant is expected to disrupt ETFDH protein function. This variant disrupts the p.Gly472 amino acid residue in ETFDH. Other variant(s) that disrupt this residue have been determined to be pathogenic (PMID: 12815589, 31268564, Invitae). This suggests that this residue is clinically significant, and that variants that disrupt this residue are likely to be disease-causing. In summary, the currently available evidence indicates that the variant is pathogenic, but additional data are needed to prove that conclusively. Therefore, this variant has been classified as Likely Pathogenic.

Literature cited by the submitters: PubMed 12815589; PubMed 31268564.